The following is an entry in ClinVar:

ClinVar aggregate classification (germline): Uncertain significance (1 of 4 stars; one submission).

Submission:

Labcorp Genetics (formerly Invitae), Labcorp
Classification: Uncertain significance. Last evaluated: 2022-07-19. Review status: criteria provided, single submitter. Criteria: Invitae Variant Classification Sherloc (09022015). Collection method: clinical testing. Allele origin: germline.
Comment: In summary, the available evidence is currently insufficient to determine the role of this variant in disease. Therefore, it has been classified as a Variant of Uncertain Significance. Algorithms developed to predict the effect of missense changes on protein structure and function are either unavailable or do not agree on the potential impact of this missense change (SIFT: "Deleterious"; PolyPhen-2: "Probably Damaging"; Align-GVGD: "Class C0"). This variant has not been reported in the literature in individuals affected with ARSG-related conditions. This variant is not present in population databases (gnomAD no frequency). This sequence change replaces histidine, which is basic and polar, with arginine, which is basic and polar, at codon 78 of the ARSG protein (p.His78Arg).

NM_001267727.2(ARSG):c.233A>G (p.His78Arg)

Gene: ARSG (arylsulfatase G; plus strand). Cytogenetic location: 17q24.2.
Variant type: single nucleotide variant.
Coding change: c.233A>G on transcript NM_001267727.2 (MANE Select); coding-DNA position 233, A replaced by G.
Protein change: p.His78Arg; replaces histidine 78 with arginine.
Molecular consequence: missense variant.
Genome position (GRCh38, 1-based): chr17:68,343,618, A>G. VCF-style: chr17-68343618-A-G. GRCh37 (hg19) VCF-style: chr17-66339759-A-G.
Other names: c.233A>G, p.His78Arg (NM_001352899.2, NM_001352900.2, NM_001352901.2 and 9 more transcripts); short protein forms H78R.
Identifiers: ClinVar variation 2168633 (VCV002168633.4), dbSNP rs2510522619, ClinGen allele CA400738052.
Genomic context (GRCh38, chr17:68,343,618, plus strand): 5'-GCTTCCTGTGGTTGGTGCGGTCCTGACCACTGTCCTTTCCCTGCAGGTTTGTGGATTTCC[A>G]TGCAGCTGCCTCCACCTGCTCACCCTCCCGGGCTTCCTTGCTCACCGGCCGGCTTGGCCT-3'
Protein context (NP_001254656.1, residues 68-88): ASEGMRFVDF[His78Arg]AAASTCSPSR